The following is an entry in ClinVar:

ClinVar aggregate classification (germline): Likely benign. Review status: criteria provided, single submitter (1 of 4 stars). 2 submissions from 2 submitters: Likely benign (1). 1 of the submissions does not count toward it. Last evaluated 2025-03-10.

Conditions:
DBH-related disorder. Also called: DBH-related condition.
Orthostatic hypotension 1 (ORTHYP1). Also called: Orthostatic hypotension 1, due to DBH deficiency; Dopamine beta-hydroxylase deficiency; NORADRENALINE DEFICIENCY; NOREPINEPHRINE DEFICIENCY. Identifiers: Orphanet 230, MedGen C4746777, MONDO:0009123, OMIM 223360.

Allele frequency attached by ClinVar (database versions not stated): ESP Exome Variant Server 0.00015.
gnomAD v4.1: 69 of 1,613,938 alleles (0.0043%); highest among the groups gnomAD compares: African/African-American, 0.021%; no homozygotes.

Submissions (2):

Labcorp Genetics (formerly Invitae), Labcorp
Classification: Likely benign for Orthostatic hypotension 1. Last evaluated: 2025-03-10. Review status: criteria provided, single submitter. Criteria: Invitae Variant Classification Sherloc (09022015). Collection method: clinical testing. Allele origin: germline.

PreventionGenetics, part of Exact Sciences
Classification: Likely benign for DBH-related condition. Last evaluated: 2021-09-24. Review status: no assertion criteria provided. Collection method: clinical testing. Allele origin: germline. Not counted in ClinVar's aggregate classification.
Comment: This variant is classified as likely benign based on ACMG/AMP sequence variant interpretation guidelines (Richards et al. 2015 PMID: 25741868, with internal and published modifications).

NM_000787.4(DBH):c.1116G>A (p.Thr372=)

Gene: DBH (dopamine beta-hydroxylase; plus strand). Cytogenetic location: 9q34.2.
Variant type: single nucleotide variant.
Coding change: c.1116G>A on transcript NM_000787.4 (MANE Select); coding-DNA position 1116, G replaced by A.
Protein change: p.Thr372=; no amino-acid change (threonine 372 retained).
Molecular consequence: synonymous variant.
Genome position (GRCh38, 1-based): chr9:133,647,937, G>A. VCF-style: chr9-133647937-G-A. GRCh37 (hg19) VCF-style: chr9-136513059-G-A.
Other names: c.1116G>A (NM_000787.3).
Identifiers: ClinVar variation 1116478 (VCV001116478.9), dbSNP rs370974965, ClinGen allele CA5313320.